The following is an entry in ClinVar:

ClinVar aggregate classification (germline): Uncertain significance (1 of 4 stars; one submission).

Conditions:
Hereditary cancer-predisposing syndrome. Also called: Neoplastic Syndromes, Hereditary; Tumor predisposition; Hereditary Cancer Syndrome; Hereditary neoplastic syndrome. Identifiers: Orphanet 140162, MedGen C0027672, MeSH D009386, MONDO:0015356.

Submission:

Ambry Genetics
Classification: Uncertain significance for Hereditary cancer-predisposing syndrome. Last evaluated: 2022-04-21. Review status: criteria provided, single submitter. Criteria: Ambry Variant Classification Scheme 2023. Collection method: clinical testing. Allele origin: germline.
Comment: The p.K2506N variant (also known as c.7518A>T), located in coding exon 15 of the APC gene, results from an A to T substitution at nucleotide position 7518. The lysine at codon 2506 is replaced by asparagine, an amino acid with similar properties. This amino acid position is conserved. In addition, in silico predictors for this gene do not accurately predict pathogenicity. Since supporting evidence is limited at this time, the clinical significance of this alteration remains unclear.

NM_000038.6(APC):c.7518A>T (p.Lys2506Asn)

Gene: APC (APC regulator of Wnt signaling pathway; plus strand). Cytogenetic location: 5q22.2.
Variant type: single nucleotide variant.
Coding change: c.7518A>T on transcript NM_000038.6 (MANE Select); coding-DNA position 7518, A replaced by T.
Protein change: p.Lys2506Asn; replaces lysine 2506 with asparagine.
Molecular consequence: missense variant.
Genome position (GRCh38, 1-based): chr5:112,843,112, A>T. VCF-style: chr5-112843112-A-T. GRCh37 (hg19) VCF-style: chr5-112178809-A-T.
Other names: c.7518A>T, p.Lys2506Asn (NM_001127510.3, NM_001354895.2, NM_001407450.1); c.7464A>T, p.Lys2488Asn (NM_001127511.3); c.7572A>T, p.Lys2524Asn (NM_001354896.2, NM_001407447.1, NM_001407448.1 and 1 more transcripts); c.7548A>T, p.Lys2516Asn (NM_001354897.2); c.7443A>T, p.Lys2481Asn (NM_001354898.2); c.7434A>T, p.Lys2478Asn (NM_001354899.2); c.7395A>T, p.Lys2465Asn (NM_001354900.2); c.7341A>T, p.Lys2447Asn (NM_001354901.2, NM_001407453.1); and 11 more; short protein forms K2377N, K2380N, K2405N, K2415N, K2499N, K2506N, K2524N, K2346N.
Identifiers: ClinVar variation 1759305 (VCV001759305.2), dbSNP rs876659798, ClinGen allele CA16037676.
Genomic context (GRCh38, chr5:112,843,112, plus strand): 5'-TTCCCTTCCTGATATGTCTCTATCCACACATTCGTCTGTTCAGGCTGGTGGATGGCGAAA[A>T]CTCCCACCTAATCTCAGTCCCACTATAGAGTATAATGATGGAAGACCAGCAAAGCGCCAT-3'
Protein context (NP_000029.2, residues 2496-2516): HSSVQAGGWR[Lys2506Asn]LPPNLSPTIE